The following is an entry in ClinVar:

ClinVar aggregate classification (germline): Benign/Likely benign. Review status: criteria provided, multiple submitters, no conflicts (2 of 4 stars). 2 submissions from 2 submitters: Benign (1); Likely benign (1). Last evaluated 2019-04-25.

Conditions:
Spinocerebellar ataxia type 35. Identifiers: Orphanet 276193, MedGen C3888031, MONDO:0013485, OMIM 613908.

Allele frequency attached by ClinVar (database versions not stated): gnomAD below 0.00001 and 0.00001; gnomAD exomes 0.00005 and 0.00010; ExAC 0.00010.
gnomAD v4.1: 73 of 1,603,660 alleles (0.0046%); highest among the groups gnomAD compares: South Asian, 0.079%; 3 homozygotes.

Submissions (2):

Athena Diagnostics
Classification: Benign. Last evaluated: 2019-04-25. Review status: criteria provided, single submitter. Criteria: Athena Diagnostics Criteria. Collection method: clinical testing. Allele origin: germline.

Illumina Laboratory Services, Illumina
Classification: Likely benign for Spinocerebellar ataxia type 35. Last evaluated: 2018-01-13. Review status: criteria provided, single submitter. Criteria: ICSL Variant Classification Criteria 13 December 2019. Collection method: clinical testing. Allele origin: germline.
Comment: This variant was observed in the ICSL laboratory as part of a predisposition screen in an ostensibly healthy population. It had not been previously curated by ICSL or reported in the Human Gene Mutation Database (HGMD: prior to June 1st, 2018), and was therefore a candidate for classification through an automated scoring system. Utilizing variant allele frequency, disease prevalence and penetrance estimates, and inheritance mode, an automated score was calculated to assess if this variant is too frequent to cause the disease. Based on the score and internal cut-off values, a variant classified as likely benign is not then subjected to further curation. The score for this variant resulted in a classification of likely benign for this disease.

NM_198994.3(TGM6):c.1653C>T (p.His551=)

Gene: TGM6 (transglutaminase 6; plus strand). Cytogenetic location: 20p13.
Variant type: single nucleotide variant.
Coding change: c.1653C>T on transcript NM_198994.3 (MANE Select); coding-DNA position 1653, C replaced by T.
Protein change: p.His551=; no amino-acid change (histidine 551 retained).
Molecular consequence: synonymous variant.
Genome position (GRCh38, 1-based): chr20:2,417,548, C>T. VCF-style: chr20-2417548-C-T. GRCh37 (hg19) VCF-style: chr20-2398194-C-T.
Other names: c.1653C>T, p.His551= (NM_001254734.2).
Identifiers: ClinVar variation 337932 (VCV000337932.6), dbSNP rs755072071, ClinGen allele CA9732156.